The following is an entry in ClinVar:

NM_000051.4(ATM):c.8805G>A (p.Met2935Ile)

Genes: ATM (ATM serine/threonine kinase; plus strand), C11orf65 (chromosome 11 open reading frame 65; minus strand). Cytogenetic location: 11q22.3.
Variant type: single nucleotide variant.
Coding change: c.8805G>A on transcript NM_000051.4 (MANE Select); coding-DNA position 8805, G replaced by A.
Protein change: p.Met2935Ile; replaces methionine 2935 with isoleucine.
Molecular consequence: missense variant. On other transcripts: intron variant (2).
Genome position (GRCh38, 1-based): chr11:108,354,829, G>A. VCF-style: chr11-108354829-G-A. GRCh37 (hg19) VCF-style: chr11-108225556-G-A.
Other names: c.8805G>A (NM_000051.2); c.8805G>A, p.Met2935Ile (NM_001351834.2); c.640+31091C>T (NM_001330368.2); c.695-19537C>T (NM_001351110.2); short protein forms M2935I.
Identifiers: ClinVar variation 407626 (VCV000407626.36), dbSNP rs772621438, ClinGen allele CA6266458.

ClinVar aggregate classification (germline): Uncertain significance. Review status: criteria provided, multiple submitters, no conflicts (2 of 4 stars). 9 submissions from 9 submitters: Uncertain significance (7). 2 of the submissions do not count toward it. Last evaluated 2026-02-03.

Conditions:
Familial colorectal cancer type X. Identifiers: Orphanet 440437, MedGen C3896578, MONDO:0018604.
Ovarian cancer. Also called: OVARIAN CANCER, SOMATIC. Identifiers: Orphanet 213500, MedGen C1140680, MONDO:0008170, OMIM 167000.
Hereditary cancer-predisposing syndrome. Also called: Neoplastic Syndromes, Hereditary; Hereditary Cancer Syndrome; Tumor predisposition; Hereditary neoplastic syndrome. Identifiers: Orphanet 140162, MedGen C0027672, MeSH D009386, MONDO:0015356.
Ataxia-telangiectasia syndrome (AT). Also called: LOUIS-BAR SYNDROME; Cerebello-oculocutaneous telangiectasia; Immunodeficiency with ataxia telangiectasia; Ataxia-telangiectasia, complementation group D; AT, COMPLEMENTATION GROUP C; Ataxia-telangiectasia, complementation group E. Identifiers: Orphanet 100, MedGen C0004135, MONDO:0008840, OMIM 208900.
Familial cancer of breast. Also called: Hereditary breast cancer; BREAST CANCER, FAMILIAL; hereditary breast carcinoma. Identifiers: Orphanet 227535, MedGen C0346153, MONDO:0016419, OMIM 114480. Disease mechanism: loss of function.

Allele frequency attached by ClinVar (database versions not stated): gnomAD exomes 0.00001 and 0.00004; TOPMed 0.00001; gnomAD 0.00001; ExAC 0.00002.
gnomAD v4.1: 13 of 1,613,684 alleles (0.00081%); highest among the groups gnomAD compares: East Asian, 0.027%; no homozygotes.

Submissions (9):

Labcorp Genetics (formerly Invitae), Labcorp
Classification: Uncertain significance for Ataxia-telangiectasia syndrome. Last evaluated: 2026-02-03. Review status: criteria provided, single submitter. Criteria: Invitae Variant Classification Sherloc (09022015). Collection method: clinical testing. Allele origin: germline.
Comment: This sequence change replaces methionine, which is neutral and non-polar, with isoleucine, which is neutral and non-polar, at codon 2935 of the ATM protein (p.Met2935Ile). This variant is present in population databases (rs772621438, gnomAD 0.05%). This missense change has been observed in individual(s) with breast cancer (PMID: 28580595). ClinVar contains an entry for this variant (Variation ID: 407626). An algorithm developed to predict the effect of missense changes on protein structure and function outputs the following: PolyPhen-2: "Possibly Damaging". The isoleucine amino acid residue is found in multiple mammalian species, which suggests that this missense change does not adversely affect protein function. In summary, the available evidence is currently insufficient to determine the role of this variant in disease. Therefore, it has been classified as a Variant of Uncertain Significance.

Color Diagnostics, LLC DBA Color Health
Classification: Uncertain significance for Hereditary cancer-predisposing syndrome. Last evaluated: 2024-10-29. Review status: criteria provided, single submitter. Criteria: ACMG Guidelines, 2015. Collection method: clinical testing. Allele origin: germline.
Comment: This missense variant replaces methionine with isoleucine at codon 2935 of the ATM protein. Computational prediction is inconclusive regarding the impact of this variant on protein structure and function. To our knowledge, functional studies have not been performed for this variant. In an international breast cancer case-control meta-analysis, this variant was detected in 13/60466 cases and 7/53461 unaffected controls (PMID: 33471991). This variant has been identified in 9/251414 chromosomes in the general population by the Genome Aggregation Database (gnomAD). The available evidence is insufficient to determine the role of this variant in disease conclusively. Therefore, this variant is classified as a Variant of Uncertain Significance.

Quest Diagnostics Nichols Institute San Juan Capistrano
Classification: Uncertain significance. Last evaluated: 2024-06-07. Review status: criteria provided, single submitter. Criteria: Quest Diagnostics criteria. Collection method: clinical testing. Allele origin: unknown.

GeneDx
Classification: Uncertain significance. Last evaluated: 2024-05-05. Review status: criteria provided, single submitter. Criteria: GeneDx Variant Classification Process June 2021. Collection method: clinical testing. Allele origin: germline. Affected: yes.
Comment: Observed in both individuals with breast cancer and healthy controls in published literature (PMID: 33471991, 19781682, 28580595); In silico analysis indicates that this missense variant does not alter protein structure/function; This variant is associated with the following publications: (PMID: 19781682, 33471991, 28580595, 23532176)

Ambry Genetics
Classification: Uncertain significance for Hereditary cancer-predisposing syndrome. Last evaluated: 2024-04-12. Review status: criteria provided, single submitter. Criteria: Ambry Variant Classification Scheme 2023. Collection method: clinical testing. Allele origin: germline.
Comment: The p.M2935I variant (also known as c.8805G>A), located in coding exon 60 of the ATM gene, results from a G to A substitution at nucleotide position 8805. The methionine at codon 2935 is replaced by isoleucine, an amino acid with highly similar properties. This variant was identified in 1/292 individuals with breast cancer (Xie Y et al. Clin. Genet., 2018 Jan;93:41-51). This variant was also reported in 13/60,466 breast cancer cases and in 7/53,461 controls (Dorling et al. N Engl J Med 2021 02;384:428-439). This amino acid position is well conserved in available vertebrate species. In addition, the in silico prediction for this alteration is inconclusive. Based on the available evidence, the clinical significance of this variant remains unclear.

Baylor Genetics
Classification: Uncertain significance for Familial cancer of breast. Last evaluated: 2023-09-11. Review status: criteria provided, single submitter. Criteria: ACMG Guidelines, 2015. Collection method: clinical testing. Allele origin: unknown.

Department of Pathology and Laboratory Medicine, Sinai Health System
Classification: Uncertain significance for Familial colorectal cancer type X. Last evaluated: 2022-05-24. Review status: criteria provided, single submitter. Criteria: ACMG Guidelines, 2015. Collection method: clinical testing. Allele origin: germline. Affected: yes.

Natera, Inc.
Classification: Uncertain significance for Ataxia-telangiectasia. Last evaluated: 2020-02-17. Review status: no assertion criteria provided. Collection method: clinical testing. Allele origin: germline. Not counted in ClinVar's aggregate classification.

Laboratory of Molecular Epidemiology of Birth Defects, West China Second University Hospital, Sichuan University
Classification: Likely pathogenic for Ovarian cancer. Last evaluated: 2022-01-01. Review status: flagged submission. Criteria: ACMG Guidelines, 2015. Collection method: clinical testing. Allele origin: germline. Affected: yes. Not counted in ClinVar's aggregate classification.
ClinVar note: Reason: Outlier claim with insufficient supporting evidence

Literature cited by the submitters: PubMed 28580595 (cited by 4 submitters); PubMed 33471991 (cited by 3 submitters); PubMed 19781682 (cited by Quest Diagnostics Nichols Institute San Juan Capistrano).